The following is an entry in ClinVar:

ClinVar aggregate classification (germline): Uncertain significance (1 of 4 stars; one submission).

Submission:

GeneDx
Classification: Uncertain significance. Last evaluated: 2026-03-23. Review status: criteria provided, single submitter. Criteria: GeneDx Variant Classification Process June 2021. Collection method: clinical testing. Allele origin: germline.
Comment: Not observed at significant frequency in large population cohorts (gnomAD); In silico analysis suggests that this missense variant does not alter protein structure/function; Has not been previously published as pathogenic or benign to our knowledge

NM_020338.4(ZMIZ1):c.365A>G (p.Lys122Arg)

Gene: ZMIZ1 (zinc finger MIZ-type containing 1; plus strand). Cytogenetic location: 10q22.3.
Variant type: single nucleotide variant.
Coding change: c.365A>G on transcript NM_020338.4 (MANE Select); coding-DNA position 365, A replaced by G.
Protein change: p.Lys122Arg; replaces lysine 122 with arginine.
Molecular consequence: missense variant.
Genome position (GRCh38, 1-based): chr10:79,277,265, A>G. VCF-style: chr10-79277265-A-G. GRCh37 (hg19) VCF-style: chr10-81037022-A-G.
Other names: short protein forms K122R.
Identifiers: ClinVar variation 5017284 (VCV005017284.1).